The following is an entry in ClinVar:

NM_001101426.4(CRPPA):c.685-19del

Gene: CRPPA (CDP-L-ribitol pyrophosphorylase A; minus strand). Cytogenetic location: 7p21.2.
Variant type: Deletion.
Coding change: c.685-19del on transcript NM_001101426.4 (MANE Select); 19 bases into the intron before coding-DNA position 685, one base deleted (G; older notation c.685-19delG).
Molecular consequence: intron variant.
Genome position (GRCh38, 1-based): chr7:16,308,646, C deleted on the plus strand (G on the coding strand, the reverse complement: CRPPA is on the minus strand). VCF-style (leftmost placement, unchanged base first): chr7-16308645-AC-A. GRCh37 (hg19) VCF-style: chr7-16348270-AC-A.
Other names: c.535-19del (NM_001101417.4); c.685-7180del (NM_001368197.1).
Identifiers: ClinVar variation 420565 (VCV000420565.1), dbSNP rs778040240, ClinGen allele CA16618446.

ClinVar aggregate classification (germline): Likely benign (1 of 4 stars; one submission).

Allele frequency attached by ClinVar (database versions not stated): gnomAD exomes below 0.00001 and 0.00002; gnomAD 0.00001.

Submission:

GeneDx
Classification: Likely benign. Last evaluated: 2016-03-09. Review status: criteria provided, single submitter. Criteria: GeneDx Variant Classification (06012015). Collection method: clinical testing. Allele origin: germline. Affected: yes.
Comment: This variant is considered likely benign or benign based on one or more of the following criteria: it is a conservative change, it occurs at a poorly conserved position in the protein, it is predicted to be benign by multiple in silico algorithms, and/or has population frequency not consistent with disease.